The following is an entry in ClinVar:

ClinVar aggregate classification (germline): Uncertain significance (1 of 4 stars; one submission).

Submission:

Labcorp Genetics (formerly Invitae), Labcorp
Classification: Uncertain significance. Last evaluated: 2022-04-28. Review status: criteria provided, single submitter. Criteria: Invitae Variant Classification Sherloc (09022015). Collection method: clinical testing. Allele origin: germline.
Comment: This sequence change replaces alanine, which is neutral and non-polar, with threonine, which is neutral and polar, at codon 52 of the HPS1 protein (p.Ala52Thr). This variant is not present in population databases (gnomAD no frequency). This variant has not been reported in the literature in individuals affected with HPS1-related conditions. Algorithms developed to predict the effect of missense changes on protein structure and function are either unavailable or do not agree on the potential impact of this missense change (SIFT: "Deleterious"; PolyPhen-2: "Probably Damaging"; Align-GVGD: "Class C0"). In summary, the available evidence is currently insufficient to determine the role of this variant in disease. Therefore, it has been classified as a Variant of Uncertain Significance.

NM_000195.5(HPS1):c.154G>A (p.Ala52Thr)

Gene: HPS1 (HPS1 biogenesis of lysosomal organelles complex 3 subunit 1; minus strand). Cytogenetic location: 10q24.2.
Variant type: single nucleotide variant.
Coding change: c.154G>A on transcript NM_000195.5 (MANE Select); coding-DNA position 154, G replaced by A.
Protein change: p.Ala52Thr; replaces alanine 52 with threonine.
Molecular consequence: missense variant. On other transcripts: 5 prime UTR variant (6).
Genome position (GRCh38, 1-based): chr10:98,435,736, C>T on the plus strand (G>A on the coding strand, the complement: HPS1 is on the minus strand). VCF-style: chr10-98435736-C-T. GRCh37 (hg19) VCF-style: chr10-100195493-C-T.
Other names: c.-763G>A (NM_001311345.2); c.154G>A, p.Ala52Thr (NM_001322476.2, NM_001322477.2, NM_001322478.2 and 8 more transcripts); c.-73G>A (NM_001322483.2, NM_001322484.2, NM_001322485.2); c.-862G>A (NM_001322487.2); c.-620G>A (NM_001322489.2); short protein forms A52T.
Identifiers: ClinVar variation 2131395 (VCV002131395.4), dbSNP rs2538994998, ClinGen allele CA378055857.